The following is an entry in ClinVar:

ClinVar aggregate classification (germline): Conflicting classifications of pathogenicity. Review status: criteria provided, conflicting classifications (1 of 4 stars). 4 submissions from 4 submitters: Uncertain significance (3); Likely benign (1). Last evaluated 2024-06-28.

Conditions:
Adams-Oliver syndrome 5 (AOS5). Identifiers: Orphanet 974, MedGen C4014970, MONDO:0014459, OMIM 616028.
Familial thoracic aortic aneurysm and aortic dissection (TAAD). Also called: Thoracic aortic aneurysms and dissections. Identifiers: Orphanet 91387, MedGen C4707243, MONDO:0019625.

Allele frequency attached by ClinVar (database versions not stated): gnomAD 0.00002 and 0.00005; TOPMed 0.00003; gnomAD exomes 0.00008 and 0.00018; ExAC 0.00023; 1000 Genomes Project 30x 0.00031; 1000 Genomes Project 0.00040.
gnomAD v4.1: 127 of 1,613,218 alleles (0.0079%); highest among the groups gnomAD compares: South Asian, 0.1%; 3 homozygotes.

Submissions (4):

Blueprint Genetics
Classification: Uncertain significance. Last evaluated: 2024-06-28. Review status: criteria provided, single submitter. Criteria: ACMG Guidelines, 2015. Collection method: clinical testing. Allele origin: germline.

Labcorp Genetics (formerly Invitae), Labcorp
Classification: Likely benign for Adams-Oliver syndrome 5. Last evaluated: 2023-10-13. Review status: criteria provided, single submitter. Criteria: Invitae Variant Classification Sherloc (09022015). Collection method: clinical testing. Allele origin: germline.

Ambry Genetics
Classification: Uncertain significance for Familial thoracic aortic aneurysm and aortic dissection. Last evaluated: 2017-06-23. Review status: criteria provided, single submitter. Criteria: Ambry Variant Classification Scheme 2023. Collection method: clinical testing. Allele origin: germline.

GeneDx
Classification: Uncertain significance. Last evaluated: 2017-04-28. Review status: criteria provided, single submitter. Criteria: GeneDx Variant Classification (06012015). Collection method: clinical testing. Allele origin: germline. Affected: yes.
Comment: A variant of uncertain significance has been identified in the NOTCH1 gene. The R938W variant has not been published as pathogenic or been reported as benign to our knowledge. This variant is observed in 0.1-0.2% of alleles from individuals of South Asian ancestry in large population cohorts (Lek et al., 2016; 1000 Genomes Consortium et al., 2015; Exome Variant Server). The R938W variant is a non-conservative amino acid substitution, which is likely to impact secondary protein structure as these residues differ in polarity, charge, size and/or other properties. Moreover, in silico analysis predicts this variant is probably damaging to the protein structure/function. Nevertheless, this substitution occurs at a position that is not conserved.

NM_017617.5(NOTCH1):c.2812C>T (p.Arg938Trp)

Gene: NOTCH1 (notch receptor 1; minus strand). Cytogenetic location: 9q34.3.
Variant type: single nucleotide variant.
Coding change: c.2812C>T on transcript NM_017617.5 (MANE Select); coding-DNA position 2812, C replaced by T.
Protein change: p.Arg938Trp; replaces arginine 938 with tryptophan.
Molecular consequence: missense variant.
Genome position (GRCh38, 1-based): chr9:136,509,890, G>A on the plus strand (C>T on the coding strand, the complement: NOTCH1 is on the minus strand). VCF-style: chr9-136509890-G-A. GRCh37 (hg19) VCF-style: chr9-139404342-G-A.
Other names: c.2812C>T, p.Arg938Trp (LRG_1122t1); short protein forms R938W.
Identifiers: ClinVar variation 155827 (VCV000155827.19), dbSNP rs554142958, ClinGen allele CA345866.